The following is an entry in ClinVar:

NM_000059.4(BRCA2):c.1544C>T (p.Thr515Ile)

Gene: BRCA2 (BRCA2 DNA repair associated; plus strand). Cytogenetic location: 13q13.1.
Variant type: single nucleotide variant.
Coding change: c.1544C>T on transcript NM_000059.4 (MANE Select); coding-DNA position 1544, C replaced by T.
Protein change: p.Thr515Ile; replaces threonine 515 with isoleucine.
Molecular consequence: missense variant.
Genome position (GRCh38, 1-based): chr13:32,333,022, C>T. VCF-style: chr13-32333022-C-T. GRCh37 (hg19) VCF-style: chr13-32907159-C-T.
Other names: short protein forms T515I.
Identifiers: ClinVar variation 185398 (VCV000185398.13), dbSNP rs786202142, ClinGen allele CA012351.

ClinVar aggregate classification (germline): Conflicting classifications of pathogenicity. Review status: criteria provided, conflicting classifications (1 of 4 stars). 6 submissions from 6 submitters: Uncertain significance (4); Likely benign (2). Last evaluated 2025-06-19.

Conditions:
Hereditary cancer-predisposing syndrome. Also called: Tumor predisposition; Hereditary Cancer Syndrome; Hereditary neoplastic syndrome; Neoplastic Syndromes, Hereditary. Identifiers: Orphanet 140162, MedGen C0027672, MeSH D009386, MONDO:0015356.
Hereditary breast ovarian cancer syndrome. Also called: Breast and ovarian cancer; Hereditary breast and ovarian cancer syndrome; Hereditary breast and ovarian cancer; BRCA1- and BRCA2-Associated Hereditary Breast and Ovarian Cancer; Hereditary breast and ovarian cancer syndrome (HBOC); Hereditary breast and/or ovarian cancer syndrome. Identifiers: Orphanet 145, MedGen C0677776, MeSH D061325, MONDO:0003582. Disease mechanism: loss of function.
Breast-ovarian cancer, familial, susceptibility to, 2 (BROVCA2). Also called: BRCA2 Hereditary Breast and Ovarian Cancer. Identifiers: Orphanet 145, MedGen C2675520, MONDO:0012933, OMIM 612555. Disease mechanism: loss of function.

Submissions (6):

Color Diagnostics, LLC DBA Color Health
Classification: Uncertain significance for Hereditary cancer-predisposing syndrome. Last evaluated: 2025-06-19. Review status: criteria provided, single submitter. Criteria: ACMG Guidelines, 2015. Collection method: clinical testing. Allele origin: germline.
Comment: This missense variant replaces threonine with isoleucine at codon 515 of the BRCA2 protein. Computational prediction suggests that this variant may not impact protein structure and function. To our knowledge, functional studies have not been reported for this variant. This variant has not been reported in individuals affected with hereditary cancer in the literature. This variant has not been identified in the general population by the Genome Aggregation Database (gnomAD). The available evidence is insufficient to determine the role of this variant in disease conclusively. Therefore, this variant is classified as a Variant of Uncertain Significance.

Labcorp Genetics (formerly Invitae), Labcorp
Classification: Uncertain significance for Hereditary breast ovarian cancer syndrome. Last evaluated: 2024-10-24. Review status: criteria provided, single submitter. Criteria: Invitae Variant Classification Sherloc (09022015). Collection method: clinical testing. Allele origin: germline.
Comment: This sequence change replaces threonine, which is neutral and polar, with isoleucine, which is neutral and non-polar, at codon 515 of the BRCA2 protein (p.Thr515Ile). This variant is not present in population databases (gnomAD no frequency). This variant has not been reported in the literature in individuals affected with BRCA2-related conditions. ClinVar contains an entry for this variant (Variation ID: 185398). Invitae Evidence Modeling of protein sequence and biophysical properties (such as structural, functional, and spatial information, amino acid conservation, physicochemical variation, residue mobility, and thermodynamic stability) indicates that this missense variant is not expected to disrupt BRCA2 protein function with a negative predictive value of 95%. In summary, the available evidence is currently insufficient to determine the role of this variant in disease. Therefore, it has been classified as a Variant of Uncertain Significance.

Ambry Genetics
Classification: Uncertain significance for Hereditary cancer-predisposing syndrome. Last evaluated: 2024-10-04. Review status: criteria provided, single submitter. Criteria: Ambry Variant Classification Scheme 2023. Collection method: clinical testing. Allele origin: germline.
Comment: The p.T515I variant (also known as c.1544C>T), located in coding exon 9 of the BRCA2 gene, results from a C to T substitution at nucleotide position 1544. The threonine at codon 515 is replaced by isoleucine, an amino acid with similar properties. This amino acid position is poorly conserved in available vertebrate species. In addition, this alteration is predicted to be tolerated by in silico analysis. Since supporting evidence is limited at this time, the clinical significance of this alteration remains unclear.

All of Us Research Program, National Institutes of Health
Classification: Uncertain significance for Breast-ovarian cancer, familial, susceptibility to, 2. Last evaluated: 2023-04-27. Review status: criteria provided, single submitter. Criteria: ACMG Guidelines, 2015. Collection method: clinical testing. Allele origin: germline. Inheritance: Autosomal dominant inheritance. Observed: 1 variant allele, 1 heterozygote.
Comment: This missense variant replaces threonine with isoleucine at codon 515 of the BRCA2 protein. Computational prediction suggests that this variant may not impact protein structure and function (internally defined REVEL score threshold <= 0.5, PMID: 27666373). To our knowledge, functional studies have not been reported for this variant. This variant has not been reported in individuals affected with hereditary cancer in the literature. This variant has not been identified in the general population by the Genome Aggregation Database (gnomAD). The available evidence is insufficient to determine the role of this variant in disease conclusively. Therefore, this variant is classified as a Variant of Uncertain Significance.

This study involves interpretation of variants in research participants for the purpose of population health screening. Participant phenotype was not available at the time of variant classification. Additional details can be found in publication PMID: 35346344, PMCID: PMC8962531

University of Washington Department of Laboratory Medicine, University of Washington
Classification: Likely benign for Hereditary cancer-predisposing syndrome. Last evaluated: 2023-03-23. Review status: criteria provided, single submitter. Criteria: Dines et al. (Genet Med. 2020). Collection method: curation. Allele origin: germline.
Comment: Missense variant in a coldspot region where missense variants are very unlikely to be pathogenic (PMID:31911673).

BRCA2 exon 10 coldspot. Reclassification based on statistical prior probability.

GeneDx
Classification: Likely benign. Last evaluated: 2016-01-14. Review status: criteria provided, single submitter. Criteria: GeneDx Variant Classification (06012015). Collection method: clinical testing. Allele origin: germline. Affected: yes.
Comment: This variant is considered likely benign or benign based on one or more of the following criteria: it is a conservative change, it occurs at a poorly conserved position in the protein, it is predicted to be benign by multiple in silico algorithms, and/or has population frequency not consistent with disease.